The following is an entry in ClinVar:

NM_004990.4(MARS1):c.2539_2542del (p.Asp847fs)

Gene: MARS1 (methionyl-tRNA synthetase 1; plus strand). Cytogenetic location: 12q13.3.
Variant type: Microsatellite.
Coding change: c.2539_2542del on transcript NM_004990.4 (MANE Select); coding-DNA positions 2539 to 2542, 4 bases deleted (GATG; older notation c.2539_2542delGATG).
Protein change: p.Asp847fs; shifts the reading frame from aspartic acid 847.
Molecular consequence: frameshift variant.
Genome position (GRCh38, 1-based): chr12:57,516,320-57,516,323, GATG deleted; deleting any 4 consecutive bases within chr12:57,516,316-57,516,323 gives the same sequence; the c. name uses the placement nearest the transcript's 3' end. VCF-style (leftmost placement, unchanged base first): chr12-57516315-TGATG-T. GRCh37 (hg19) VCF-style: chr12-57910098-TGATG-T.
Other names: short protein forms D847fs.
Identifiers: ClinVar variation 3757228 (VCV003757228.2).

ClinVar aggregate classification (germline): Uncertain significance (1 of 4 stars; one submission).

Conditions:
Severe early-onset pulmonary alveolar proteinosis due to MARS deficiency. Also called: Interstitial lung and liver disease; PULMONARY ALVEOLAR PROTEINOSIS, REUNION ISLAND. Identifiers: Orphanet 440427, MedGen C4225400, MONDO:0014206, OMIM 615486.
Charcot-Marie-Tooth disease axonal type 2U. Also called: CHARCOT-MARIE-TOOTH NEUROPATHY, TYPE 2U; CHARCOT-MARIE-TOOTH DISEASE, AXONAL, AUTOSOMAL DOMINANT, TYPE 2U. Identifiers: Orphanet 397735, MedGen C4084821, MONDO:0014566, OMIM 616280.

Submission:

Labcorp Genetics (formerly Invitae), Labcorp
Classification: Uncertain significance for Charcot-Marie-Tooth disease axonal type 2U; Severe early-onset pulmonary alveolar proteinosis due to MARS deficiency. Last evaluated: 2024-08-06. Review status: criteria provided, single submitter. Criteria: Invitae Variant Classification Sherloc (09022015). Collection method: clinical testing. Allele origin: germline.
Comment: This sequence change creates a premature translational stop signal (p.Asp847Lysfs*2) in the MARS gene. While this is not anticipated to result in nonsense mediated decay, it is expected to disrupt the last 54 amino acid(s) of the MARS protein. This variant is not present in population databases (gnomAD no frequency). This variant has not been reported in the literature in individuals affected with MARS-related conditions. Experimental studies and prediction algorithms are not available or were not evaluated, and the functional significance of this variant is currently unknown. In summary, the available evidence is currently insufficient to determine the role of this variant in disease. Therefore, it has been classified as a Variant of Uncertain Significance.